The following is an entry in ClinVar:

NM_006950.3(SYN1):c.1447C>T (p.Gln483Ter)

Gene: SYN1 (synapsin I; minus strand). Cytogenetic location: Xp11.3.
Variant type: single nucleotide variant.
Coding change: c.1447C>T on transcript NM_006950.3 (MANE Select); coding-DNA position 1447, C replaced by T.
Protein change: p.Gln483Ter; replaces glutamine 483 with a stop codon.
Molecular consequence: nonsense.
Genome position (GRCh38, 1-based): chrX:47,574,537, G>A on the plus strand (C>T on the coding strand, the complement: SYN1 is on the minus strand). VCF-style: chrX-47574537-G-A. GRCh37 (hg19) VCF-style: chrX-47433936-G-A.
Other names: c.1447C>T, p.Gln483Ter (NM_133499.2); short protein forms Q483*.
Identifiers: ClinVar variation 933135 (VCV000933135.24), dbSNP rs2057771219, ClinGen allele CA412823953.

ClinVar aggregate classification (germline): Pathogenic. Review status: criteria provided, multiple submitters, no conflicts (2 of 4 stars). 2 submissions from 2 submitters: Pathogenic (2). Last evaluated 2022-07-30.

Conditions:
Epilepsy, X-linked 1, with variable learning disabilities and behavior disorders. Also called: X-linked epilepsy-learning disabilities-behavior disorders syndrome. Identifiers: Orphanet 85294, MedGen C5774177, MONDO:0010339, OMIM 300491.
Seizure. Also called: Seizures. Identifiers: MedGen C0036572, HP:0001250.

Submissions (2):

Institute for Human Genetics, University Hospital Essen
Classification: Pathogenic for Epilepsy, X-linked 1, with variable learning disabilities and behavior disorders. Last evaluated: 2022-07-30. Review status: criteria provided, single submitter. Criteria: ACMG Guidelines, 2015. Collection method: clinical testing. Allele origin: maternal. Affected: yes.

Cytogénomique, Hospices Civils de Lyon
Classification: Pathogenic for Seizure. Last evaluated: 2020-06-03. Review status: criteria provided, single submitter. Criteria: ACMG Guidelines, 2015. Collection method: clinical testing. Allele origin: unknown. Inheritance: X-linked recessive inheritance. Affected: yes. Observed: 1 variant allele, 1 hemizygote.

Literature cited by the submitters: PubMed 36568968 (cited by Institute for Human Genetics, University Hospital Essen).